The following is an entry in ClinVar:

ClinVar aggregate classification (germline): Uncertain significance (0 of 4 stars; one submission).

Conditions:
Prostate cancer. Also called: Malignant tumor of prostate. Identifiers: Orphanet 1331, MedGen C0376358, MONDO:0008315, HP:0012125.

Submission:

Science for Life laboratory,  Karolinska Institutet
Classification: Uncertain significance for Malignant tumor of prostate. Review status: no assertion criteria provided. Collection method: not provided. Allele origin: somatic.
Comment: TumorID:SWE-92B
ClinVar note: Converted during submission from Unknown to Uncertain significance.

NM_001931.5(DLAT):c.1339T>C (p.Tyr447His)

Gene: DLAT (dihydrolipoamide S-acetyltransferase; plus strand). Cytogenetic location: 11q23.1.
Variant type: single nucleotide variant.
Coding change: c.1339T>C on transcript NM_001931.5 (MANE Select); coding-DNA position 1339, T replaced by C.
Protein change: p.Tyr447His; replaces tyrosine 447 with histidine.
Molecular consequence: missense variant. On other transcripts: non-coding transcript variant (1), intron variant (2).
Genome position (GRCh38, 1-based): chr11:112,045,911, T>C. VCF-style: chr11-112045911-T-C. GRCh37 (hg19) VCF-style: chr11-111916635-T-C.
Other names: c.1339T>C, p.Tyr447His (NM_001372031.1, NM_001372033.1); c.1333T>C, p.Tyr445His (NM_001372032.1); c.1306T>C, p.Tyr436His (NM_001372034.1); c.1213T>C, p.Tyr405His (NM_001372036.1); c.1171T>C, p.Tyr391His (NM_001372037.1); c.1060T>C, p.Tyr354His (NM_001372038.1); c.1024T>C, p.Tyr342His (NM_001372039.1); c.958T>C, p.Tyr320His (NM_001372040.1); and 3 more; short protein forms Y447H, Y405H, Y436H, Y342H, Y293H, Y354H, Y320H, Y391H.
Identifiers: ClinVar variation 161587 (VCV000161587.2), dbSNP rs193921135, ClinGen allele CA174401.